The following is an entry in ClinVar:

NC_000015.10:g.(?_66703239)_(67066380_?)del

Genes: SMASR (SMAD3 associated long non-coding RNA; minus strand), SMAD6 (SMAD family member 6; plus strand), SMAD3 (SMAD family member 3; plus strand), SMAD3-DT (SMAD3 divergent transcript; minus strand), LOC110120917 (VISTA enhancer hs660; plus strand) and 16 more. Cytogenetic location: 15q22.31-22.33.
Variant type: Deletion.
Identifiers: ClinVar variation 584398 (VCV000584398.8).

ClinVar aggregate classification (germline): Conflicting classifications of pathogenicity. Review status: criteria provided, conflicting classifications (1 of 4 stars). 2 submissions from 1 submitter: Pathogenic (1); Uncertain significance (1). Last evaluated 2019-07-15.

Conditions:
Aortic valve disease 2 (AOVD2). Identifiers: MedGen C3542024, MONDO:0013902, OMIM 614823.
Familial thoracic aortic aneurysm and aortic dissection (TAAD). Also called: Thoracic aortic aneurysms and dissections. Identifiers: Orphanet 91387, MedGen C4707243, MONDO:0019625.

Submissions (2):

Labcorp Genetics (formerly Invitae), Labcorp
Classification: Pathogenic for Familial thoracic aortic aneurysm and aortic dissection. Last evaluated: 2019-07-15. Review status: criteria provided, single submitter. Criteria: Invitae Variant Classification Sherloc (09022015). Collection method: clinical testing. Allele origin: germline.
Comment: This variant is a gross deletion of the genomic region encompassing exon 1 of the SMAD3 gene, which includes the initiator codon. The 5' end of this event is unknown as it extends beyond the assayed region for this gene and therefore may encompass additional genes. The 3' boundary is likely confined to intron 1 of the SMAD3 gene. This is expected to result in an absent or disrupted protein product. This variant has not been reported in the literature in individuals with SMAD3-related disease. Loss-of-function variants in SMAD3 are known to be pathogenic (PMID: 21778426, 24804794). For these reasons, this variant has been classified as Pathogenic.

Labcorp Genetics (formerly Invitae), Labcorp
Classification: Uncertain significance for Aortic valve disease 2. Last evaluated: 2019-07-15. Review status: criteria provided, single submitter. Criteria: Invitae Variant Classification Sherloc (09022015). Collection method: clinical testing. Allele origin: germline.
Comment: A gross deletion of the genomic region encompassing the full coding sequence of the SMAD6 gene has been identified. The boundaries of this event are unknown as the deletion extends beyond the assayed region for this gene and therefore may encompass additional genes. This variant has not been reported in the literature in individuals with SMAD6-related disease. The current clinical and genetic evidence is not sufficient to establish whether loss-of-function variants in SMAD6 cause disease. In summary, the available evidence is currently insufficient to determine the role of this variant in disease. Therefore, it has been classified as a Variant of Uncertain Significance.